The following is an entry in ClinVar:

ClinVar aggregate classification (germline): Uncertain significance. Review status: criteria provided, multiple submitters, no conflicts (2 of 4 stars). 2 submissions from 2 submitters: Uncertain significance (2). Last evaluated 2025-01-27.

Conditions:
Inborn genetic diseases. Identifiers: MedGen C0950123, MeSH D030342.

Submissions (2):

Ambry Genetics
Classification: Uncertain significance for Inborn genetic diseases. Last evaluated: 2025-01-27. Review status: criteria provided, single submitter. Criteria: Ambry Variant Classification Scheme 2023. Collection method: clinical testing. Allele origin: germline.

GeneDx
Classification: Uncertain significance. Last evaluated: 2022-09-12. Review status: criteria provided, single submitter. Criteria: GeneDx Variant Classification Process June 2021. Collection method: clinical testing. Allele origin: germline. Affected: yes.
Comment: Not observed at significant frequency in large population cohorts (gnomAD); In silico analysis supports that this missense variant does not alter protein structure/function; Has not been previously published as pathogenic or benign to our knowledge

NM_001371928.1(AHDC1):c.4123C>T (p.Leu1375Phe)

Gene: AHDC1 (AT-hook DNA binding motif containing 1; minus strand). Cytogenetic location: 1p36.11.
Variant type: single nucleotide variant.
Coding change: c.4123C>T on transcript NM_001371928.1 (MANE Select); coding-DNA position 4123, C replaced by T.
Protein change: p.Leu1375Phe; replaces leucine 1375 with phenylalanine.
Molecular consequence: missense variant.
Genome position (GRCh38, 1-based): chr1:27,547,993, G>A on the plus strand (C>T on the coding strand, the complement: AHDC1 is on the minus strand). VCF-style: chr1-27547993-G-A. GRCh37 (hg19) VCF-style: chr1-27874504-G-A.
Other names: c.4123C>T, p.Leu1375Phe (NM_001029882.3); c.79C>T, p.Leu27Phe (NM_015699.1); short protein forms L1375F, L27F.
Identifiers: ClinVar variation 2443655 (VCV002443655.2), dbSNP rs2019275387, ClinGen allele CA339223634.